The following is an entry in ClinVar:

NM_001378454.1(ALMS1):c.10466A>G (p.His3489Arg)

Gene: ALMS1 (ALMS1 centrosome and basal body associated protein; plus strand). Cytogenetic location: 2p13.1.
Variant type: single nucleotide variant.
Coding change: c.10466A>G on transcript NM_001378454.1 (MANE Select); coding-DNA position 10466, A replaced by G.
Protein change: p.His3489Arg; replaces histidine 3489 with arginine.
Molecular consequence: missense variant.
Genome position (GRCh38, 1-based): chr2:73,572,343, A>G. VCF-style: chr2-73572343-A-G. GRCh37 (hg19) VCF-style: chr2-73799470-A-G.
Other names: c.10469A>G, p.His3490Arg (NM_015120.4); short protein forms H3489R, H3490R.
Identifiers: ClinVar variation 2626206 (VCV002626206.2), dbSNP rs2466443157, ClinGen allele CA347283040.

ClinVar aggregate classification (germline): Uncertain significance (1 of 4 stars; one submission).

Conditions:
Cardiovascular phenotype. Identifiers: MedGen CN230736.

Submission:

Ambry Genetics
Classification: Uncertain significance for Cardiovascular phenotype. Last evaluated: 2023-09-05. Review status: criteria provided, single submitter. Criteria: Ambry Variant Classification Scheme 2023. Collection method: clinical testing. Allele origin: germline.
Comment: The p.H3490R variant (also known as c.10469A>G), located in coding exon 16 of the ALMS1 gene, results from an A to G substitution at nucleotide position 10469. The histidine at codon 3490 is replaced by arginine, an amino acid with highly similar properties. This amino acid position is highly conserved in available vertebrate species. In addition, this alteration is predicted to be deleterious by in silico analysis. Since supporting evidence is limited at this time, the clinical significance of this alteration remains unclear.